The following is an entry in ClinVar:

Conditions:
Long QT syndrome 5 (LQT5). Identifiers: Orphanet 101016, Orphanet 768, MedGen C1867904, MONDO:0013372, OMIM 613695.

Submission:

Roden Lab, Vanderbilt University Medical Center
No classification provided (evidence only). Condition: Long QT syndrome 5. Review status: no classification provided. Collection method: in vitro. Allele origin: not applicable. Functional consequence: Effect on ion channel function.
ClinVar note: "not provided" was previously submitted as the classification for the variant. However, the classification appeared to be based only on an observation of functional data so it was converted to no classification on 2025-07-30.

NM_000219.6(KCNE1):c.23C>G (p.Ala8Gly)

Gene: KCNE1 (potassium voltage-gated channel subfamily E regulatory subunit 1; minus strand). Cytogenetic location: 21q22.12.
Variant type: single nucleotide variant.
Coding change: c.23C>G on transcript NM_000219.6 (MANE Select); coding-DNA position 23, C replaced by G.
Protein change: p.Ala8Gly; replaces alanine 8 with glycine.
Molecular consequence: missense variant.
Genome position (GRCh38, 1-based): chr21:34,449,612, G>C on the plus strand (C>G on the coding strand, the complement: KCNE1 is on the minus strand). VCF-style: chr21-34449612-G-C. GRCh37 (hg19) VCF-style: chr21-35821910-G-C.
Other names: c.23C>G, p.Ala8Gly (NM_001127668.4, NM_001127669.4, NM_001127670.4 and 4 more transcripts); short protein forms A8G.
Identifiers: ClinVar variation 3374391 (VCV003374391.2).
Genomic context (GRCh38, chr21:34,449,612, plus strand): 5'-GACATGTTGCCACCCTGCTGAACTGTCTCCTGCCACAGCTTGGTCAGAAAGGGCGTCACC[G>C]CTGTGGTGTTAGACAGGATCATCCTGGGCATTAAGGTTCCACTGCTGCAGCTCAAACTTC-3'
Protein context (NP_000210.2, residues 1-18): MILSNTT[Ala8Gly]VTPFLTKLWQ